The following is an entry in ClinVar:

ClinVar aggregate classification (germline): Conflicting classifications of pathogenicity. Review status: criteria provided, conflicting classifications (1 of 4 stars). 3 submissions from 3 submitters: Likely pathogenic (1); Benign (1). 1 of the submissions does not count toward it. Last evaluated 2026-01-24.

Conditions:
Mucopolysaccharidosis, MPS-II (MPS2). Also called: Attenuated MPS (subtype; formerly known as mild MPS II); Severe MPS II; I2S deficiency; MPS 2; Hunter Syndrome; IDURONATE 2-SULFATASE DEFICIENCY. Identifiers: Orphanet 580, Orphanet 79388, MedGen C0026705, MONDO:0010674, OMIM 309900.
Mucopolysaccharidosis, MPS-III-A (MPS3A). Also called: MPS III A; Mucopolysaccharidosis type IIIA (Sanfilippo A); HEPARAN SULFATE SULFATASE DEFICIENCY; SANFILIPPO SYNDROME A; SULFAMIDASE DEFICIENCY; Mucopolysaccharidosis, type IIIA. Identifiers: Orphanet 581, Orphanet 79269, MedGen C0086647, MONDO:0009655, OMIM 252900.

gnomAD v4.1: 21 of 1,208,279 alleles (0.0017%); highest among the groups gnomAD compares: South Asian, 0.033%; no homozygotes.

Submissions (3):

Labcorp Genetics (formerly Invitae), Labcorp
Classification: Benign for Mucopolysaccharidosis, MPS-II. Last evaluated: 2026-01-24. Review status: criteria provided, single submitter. Criteria: Invitae Variant Classification Sherloc (09022015). Collection method: clinical testing. Allele origin: germline.

Laboratory of Diagnosis and Therapy of Lysosomal Disorders, University of Padova
Classification: Likely pathogenic for Mucopolysaccharidosis, MPS-II. Last evaluated: 2024-06-07. Review status: criteria provided, single submitter. Criteria: ACMG Guidelines, 2015. Collection method: literature only. Allele origin: germline. Affected: yes. Observed: 1 variant allele.
Comment: Absent from controls (or at low frequency) in gnomAD database (PM2_Moderate), Missense variant in a gene with a low rate of benign missense variation (PP2_Supporting), Patient’s phenotype or family history highly specific for the disease (PP4_Strong), Multiple lines of computational evidence suggest no impact on gene or gene product (BP4_Supporting)

Classification method: ACMG Guidelines [PMID:25741868] with modifications

Natera, Inc.
Classification: Likely benign for Mucopolysaccharidosis type IIIA. Last evaluated: 2021-10-14. Review status: no assertion criteria provided. Collection method: clinical testing. Allele origin: germline. Not counted in ClinVar's aggregate classification.

Literature cited by the submitters: PubMed 26897145 (cited by Laboratory of Diagnosis and Therapy of Lysosomal Disorders, University of Padova).

NM_000202.8(IDS):c.957C>A (p.Asp319Glu)

Genes: IDS (iduronate 2-sulfatase; minus strand), LOC106050102 (IDS recombination region; plus strand). Cytogenetic location: Xq28.
Variant type: single nucleotide variant.
Coding change: c.957C>A on transcript NM_000202.8 (MANE Select); coding-DNA position 957, C replaced by A.
Protein change: p.Asp319Glu; replaces aspartic acid 319 with glutamic acid.
Molecular consequence: missense variant. On other transcripts: non-coding transcript variant (1).
Genome position (GRCh38, 1-based): chrX:149,490,363, G>T on the plus strand (C>A on the coding strand, the complement: IDS is on the minus strand). VCF-style: chrX-149490363-G-T. GRCh37 (hg19) VCF-style: chrX-148571894-G-T.
Other names: c.687C>A, p.Asp229Glu (NM_001166550.4); c.957C>A, p.Asp319Glu (NM_006123.5); short protein forms D229E, D319E.
Identifiers: ClinVar variation 1169458 (VCV001169458.12), dbSNP rs782488487, ClinGen allele CA10537542.
Genomic context (GRCh38, chrX:149,490,363, plus strand): 5'-AAAATGCTTACCATGATCCGAGGTAAATGCAATGATGGTGCTGTTGGCCAGCTGAAGATC[G>T]TCCAAAGCACTCAAGAGGCGGCCGACCTGTGTATCCAAATATGACACAGAGGCAAAGTAG-3'
Protein context (NP_000193.1, residues 309-329): TQVGRLLSAL[Asp319Glu]DLQLANSTII